The following is an entry in ClinVar:

NC_000022.10:g.(?_42456908)_(42459048_?)del

Gene: NAGA (alpha-N-acetylgalactosaminidase; minus strand). Cytogenetic location: 22q13.2.
Variant type: Deletion.
Identifiers: ClinVar variation 3247591 (VCV003247591.1).

ClinVar aggregate classification (germline): Pathogenic (1 of 4 stars; one submission).

Conditions:
Alpha-N-acetylgalactosaminidase deficiency type 1. Also called: SCHINDLER DISEASE, TYPE I; ALPHA-N-ACETYLGALACTOSAMINIDASE DEFICIENCY, TYPE I; NAGA DEFICIENCY, TYPE I; NEUROAXONAL DYSTROPHY, SCHINDLER TYPE. Identifiers: Orphanet 3137, Orphanet 79279, Orphanet 79281, MedGen C1836544, MONDO:0012221, OMIM 609241.

Submission:

Labcorp Genetics (formerly Invitae), Labcorp
Classification: Pathogenic for Alpha-N-acetylgalactosaminidase deficiency type 1. Last evaluated: 2023-05-11. Review status: criteria provided, single submitter. Criteria: Invitae Variant Classification Sherloc (09022015). Collection method: clinical testing. Allele origin: unknown.
Comment: For these reasons, this variant has been classified as Pathogenic. This variant disrupts a region of the NAGA protein in which other variant(s) (p.Glu325Lys) have been determined to be pathogenic (PMID: 1131374, 7707696, 8040340, 8071745). This suggests that this is a clinically significant region of the protein, and that variants that disrupt it are likely to be disease-causing. This variant has not been reported in the literature in individuals affected with NAGA-related conditions. This variant is a gross deletion of the genomic region encompassing exon(s) 7-8 of the NAGA gene. This variant would be expected to be in-frame, preserving the integrity of the reading frame.

Literature cited by the submitters: PubMed 1131374; PubMed 7707696; PubMed 8040340; PubMed 8071745.